The following is an entry in ClinVar:

NM_000550.3(TYRP1):c.1262-1_1262delinsTG

Genes: LURAP1L-AS1 (LURAP1L antisense RNA 1; minus strand), TYRP1 (tyrosinase related protein 1; plus strand). Cytogenetic location: 9p23.
Variant type: Indel.
Coding change: c.1262-1_1262delinsTG on transcript NM_000550.3 (MANE Select); the canonical splice acceptor site of the intron before coding-DNA position 1262 through coding-DNA position 1262, GA replaced by TG.
Molecular consequence: splice acceptor variant.
Genome position (GRCh38, 1-based): chr9:12,707,996-12,707,997, GA replaced by TG. VCF-style: chr9-12707996-GA-TG. GRCh37 (hg19) VCF-style: chr9-12707996-GA-TG.
Identifiers: ClinVar variation 2859359 (VCV002859359.3), dbSNP rs2537293282, ClinGen allele CA2739269164.

ClinVar aggregate classification (germline): Likely pathogenic (1 of 4 stars; one submission).

Submission:

Labcorp Genetics (formerly Invitae), Labcorp
Classification: Likely pathogenic. Last evaluated: 2023-04-26. Review status: criteria provided, single submitter. Criteria: Invitae Variant Classification Sherloc (09022015). Collection method: clinical testing. Allele origin: germline.
Comment: In summary, the currently available evidence indicates that the variant is pathogenic, but additional data are needed to prove that conclusively. Therefore, this variant has been classified as Likely Pathogenic. This variant has not been reported in the literature in individuals affected with TYRP1-related conditions. Information on the frequency of this variant in the gnomAD database is not available, as this variant may be reported differently in the database. This sequence change affects a splice site in intron 6 of the TYRP1 gene. It is expected to disrupt RNA splicing. Variants that disrupt the donor or acceptor splice site typically lead to a loss of protein function (PMID: 16199547), and loss-of-function variants in TYRP1 are known to be pathogenic (PMID: 8651291, 9345097).

Literature cited by the submitters: PubMed 16199547; PubMed 8651291; PubMed 9345097.